The following is an entry in ClinVar:

ClinVar aggregate classification (germline): Uncertain significance. Review status: criteria provided, multiple submitters, no conflicts (2 of 4 stars). 2 submissions from 2 submitters: Uncertain significance (2). Last evaluated 2025-06-03.

Allele frequency attached by ClinVar (database versions not stated): gnomAD exomes below 0.00001; gnomAD 0.00001; TOPMed 0.00001; ESP Exome Variant Server 0.00008.
gnomAD v4.1: 5 of 1,613,764 alleles (0.00031%); highest among the groups gnomAD compares: Admixed American, 0.0017%; no homozygotes.

Submissions (2):

Ambry Genetics
Classification: Uncertain significance. Last evaluated: 2025-06-03. Review status: criteria provided, single submitter. Criteria: Ambry Variant Classification Scheme 2023. Collection method: clinical testing. Allele origin: germline.

Labcorp Genetics (formerly Invitae), Labcorp
Classification: Uncertain significance. Last evaluated: 2022-05-05. Review status: criteria provided, single submitter. Criteria: Invitae Variant Classification Sherloc (09022015). Collection method: clinical testing. Allele origin: germline.
Comment: In summary, the available evidence is currently insufficient to determine the role of this variant in disease. Therefore, it has been classified as a Variant of Uncertain Significance. Algorithms developed to predict the effect of missense changes on protein structure and function are either unavailable or do not agree on the potential impact of this missense change (SIFT: "Not Available"; PolyPhen-2: "Benign"; Align-GVGD: "Not Available"). This variant has not been reported in the literature in individuals affected with KCNK4-related conditions. This variant is present in population databases (rs141595182, gnomAD 0.003%). This sequence change replaces isoleucine, which is neutral and non-polar, with threonine, which is neutral and polar, at codon 207 of the KCNK4 protein (p.Ile207Thr).

NM_033310.3(KCNK4):c.620T>C (p.Ile207Thr)

Genes: KCNK4 (potassium two pore domain channel subfamily K member 4; plus strand), KCNK4-CATSPERZ (KCNK4-CATSPERZ readthrough (NMD candidate); plus strand). Cytogenetic location: 11q13.1.
Variant type: single nucleotide variant.
Coding change: c.620T>C on transcript NM_033310.3 (MANE Select); coding-DNA position 620, T replaced by C.
Protein change: p.Ile207Thr; replaces isoleucine 207 with threonine.
Molecular consequence: missense variant. On other transcripts: non-coding transcript variant (1).
Genome position (GRCh38, 1-based): chr11:64,297,612, T>C. VCF-style: chr11-64297612-T-C. GRCh37 (hg19) VCF-style: chr11-64065084-T-C.
Other names: c.620T>C, p.Ile207Thr (NM_001317090.2, NM_033311.1); c.620T>C (NM_033310.2); short protein forms I207T.
Identifiers: ClinVar variation 1981895 (VCV001981895.5), dbSNP rs141595182, ClinGen allele CA223878622.
Genomic context (GRCh38, chr11:64,297,612, plus strand): 5'-CCACGTTCGTGTTCTGCTATATGGAGGACTGGAGCAAGCTGGAGGCCATCTACTTTGTCA[T>C]AGTGACGCTTACCACCGTGGGCTTTGGCGACTATGTGGCCGGTGAGGCCGCCCTTCTTGT-3'
Protein context (NP_201567.1, residues 197-217): WSKLEAIYFV[Ile207Thr]VTLTTVGFGD